The following is an entry in ClinVar:

NM_020975.6(RET):c.154T>C (p.Tyr52His)

Gene: RET (ret proto-oncogene; plus strand). Cytogenetic location: 10q11.21.
Variant type: single nucleotide variant.
Coding change: c.154T>C on transcript NM_020975.6 (MANE Select); coding-DNA position 154, T replaced by C.
Protein change: p.Tyr52His; replaces tyrosine 52 with histidine.
Molecular consequence: missense variant.
Genome position (GRCh38, 1-based): chr10:43,100,539, T>C. VCF-style: chr10-43100539-T-C. GRCh37 (hg19) VCF-style: chr10-43595987-T-C.
Other names: c.154T>C, p.Tyr52His (NM_000323.2, NM_001406743.1, NM_001406744.1 and 34 more transcripts); short protein forms Y52H.
Identifiers: ClinVar variation 1775033 (VCV001775033.2), dbSNP rs2132659259, ClinGen allele CA376770207.

ClinVar aggregate classification (germline): Uncertain significance (1 of 4 stars; one submission).

Conditions:
Hereditary cancer-predisposing syndrome. Also called: Hereditary Cancer Syndrome; Hereditary neoplastic syndrome; Neoplastic Syndromes, Hereditary; Tumor predisposition. Identifiers: Orphanet 140162, MedGen C0027672, MeSH D009386, MONDO:0015356.

Submission:

Ambry Genetics
Classification: Uncertain significance for Hereditary cancer-predisposing syndrome. Last evaluated: 2022-06-11. Review status: criteria provided, single submitter. Criteria: Ambry Variant Classification Scheme 2023. Collection method: clinical testing. Allele origin: germline.
Comment: The p.Y52H variant (also known as c.154T>C), located in coding exon 2 of the RET gene, results from a T to C substitution at nucleotide position 154. The tyrosine at codon 52 is replaced by histidine, an amino acid with similar properties. This amino acid position is conserved. In addition, this alteration is predicted to be tolerated by in silico analysis. Since supporting evidence is limited at this time, the clinical significance of this alteration remains unclear.